The following is an entry in ClinVar:

ClinVar aggregate classification (germline): Pathogenic (1 of 4 stars; one submission).

Conditions:
Neutral lipid storage myopathy (NLSDM). Also called: NEUTRAL LIPID STORAGE DISEASE WITHOUT ICHTHYOSIS. Identifiers: Orphanet 98908, MedGen C1853136, MONDO:0012545, OMIM 610717.

Submission:

Labcorp Genetics (formerly Invitae), Labcorp
Classification: Pathogenic for Neutral lipid storage myopathy. Last evaluated: 2025-04-24. Review status: criteria provided, single submitter. Criteria: Invitae Variant Classification Sherloc (09022015). Collection method: clinical testing. Allele origin: germline.
Comment: This sequence change inserts a large fragment of DNA, likely a transposable element, in exon 3 of the PNPLA2 gene (c.231_232ins?), causing a frameshift at codon 78 (p.Lys78fs). The exact size and sequence of the insertion cannot be determined by the current assay. However, the insertion is expected to result in an absent or disrupted protein product. This variant has not been reported in the literature in individuals affected with PNPLA2-related conditions. Algorithms developed to predict the effect of sequence changes on RNA splicing suggest that this variant may disrupt the consensus splice site. Retrotransposon insertions including LINE1 (L1), Alu, and SVA (SINE-VNTR-Alu) have been reported to be disease-causing through disruption of either a coding region or splice site (PMID: 19763152, 20307669, 22406018) and loss-of-function variants in PNPLA2 are known to be pathogenic (PMID: 17187067). For these reasons, this variant has been classified as Pathogenic.

Literature cited by the submitters: PubMed 19763152; PubMed 20307669; PubMed 22406018; PubMed 17187067.

NM_020376.4(PNPLA2):c.231_232insGGGTGGAGACGGGGTTTCGCTGTGTTGGCCGGGCTGGTCTCCAGCTCCTAACCGCGAGTGATCCGCCAGCCTCGNNNNNNNNNNAAAAAAAAAAAAAAAAAAAAAAAGAGGCCCGG (p.Lys78delinsGlyTrpArgArgGlyPheAlaValLeuAlaGlyLeuValSerSerSerTer)

Gene: PNPLA2 (patatin like domain 2, triacylglycerol lipase; plus strand). Cytogenetic location: 11p15.5.
Variant type: Insertion.
Coding change: c.231_232insGGGTGGAGACGGGGTTTCGCTGTGTTGGCCGGGCTGGTCTCCAGCTCCTAACCGCGAGTGATCCGCCAGCCTCGNNNNNNNNNNAAAAAAAAAAAAAAAAAAAAAAAGAGGCCCGG on transcript NM_020376.4 (MANE Select); coding-DNA positions 231 to 232, GGGTGGAGACGGGGTTTCGCTGTGTTGGCCGGGCTGGTCTCCAGCTCCTAACCGCGAGTGATCCGCCAGCCTCGNNNNNNNNNNAAAAAAAAAAAAAAAAAAAAAAAGAGGCCCGG inserted.
Protein change: p.Lys78delinsGlyTrpArgArgGlyPheAlaValLeuAlaGlyLeuValSerSerSerTer.
Molecular consequence: nonsense.
Genome position: GRCh38: chr11:821,671-821,672. GRCh37 (hg19): chr11:821,671-821,672.
Identifiers: ClinVar variation 2735395 (VCV002735395.3), dbSNP rs2495553147.